The following is an entry in ClinVar:

ClinVar aggregate classification (germline): Uncertain significance. Review status: criteria provided, multiple submitters, no conflicts (2 of 4 stars). 3 submissions from 3 submitters: Uncertain significance (3). Last evaluated 2022-12-01.

Conditions:
Hereditary nonpolyposis colorectal neoplasms. Identifiers: MedGen C0009405, MeSH D003123.

Allele frequency attached by ClinVar (database versions not stated): TOPMed below 0.00001.

Submissions (3):

GeneDx
Classification: Uncertain significance. Last evaluated: 2022-12-01. Review status: criteria provided, single submitter. Criteria: GeneDx Variant Classification Process June 2021. Collection method: clinical testing. Allele origin: germline. Affected: yes.
Comment: Not observed at significant frequency in large population cohorts (gnomAD); In silico analysis supports that this missense variant does not alter protein structure/function; Has not been previously published as pathogenic or benign to our knowledge; This variant is associated with the following publications: (PMID: 17531815, 21120944)

Labcorp Genetics (formerly Invitae), Labcorp
Classification: Uncertain significance for Hereditary nonpolyposis colorectal neoplasms. Last evaluated: 2021-07-01. Review status: criteria provided, single submitter. Criteria: Invitae Variant Classification Sherloc (09022015). Collection method: clinical testing. Allele origin: germline.
Comment: In summary, the available evidence is currently insufficient to determine the role of this variant in disease. Therefore, it has been classified as a Variant of Uncertain Significance. Advanced modeling of protein sequence and biophysical properties (such as structural, functional, and spatial information, amino acid conservation, physicochemical variation, residue mobility, and thermodynamic stability) performed at Invitae indicates that this missense variant is not expected to disrupt MSH6 protein function. ClinVar contains an entry for this variant (Variation ID: 619876). This variant has not been reported in the literature in individuals affected with MSH6-related conditions. This variant is not present in population databases (ExAC no frequency). This sequence change replaces glutamic acid with glutamine at codon 1254 of the MSH6 protein (p.Glu1254Gln). The glutamic acid residue is highly conserved and there is a small physicochemical difference between glutamic acid and glutamine.

Quest Diagnostics Nichols Institute San Juan Capistrano
Classification: Uncertain significance. Last evaluated: 2018-06-21. Review status: criteria provided, single submitter. Criteria: Quest Diagnostics criteria. Collection method: clinical testing. Allele origin: germline.

NM_000179.3(MSH6):c.3760G>C (p.Glu1254Gln)

Gene: MSH6 (mutS homolog 6; plus strand). Cytogenetic location: 2p16.3.
Variant type: single nucleotide variant.
Coding change: c.3760G>C on transcript NM_000179.3 (MANE Select); coding-DNA position 3760, G replaced by C.
Protein change: p.Glu1254Gln; replaces glutamic acid 1254 with glutamine.
Molecular consequence: missense variant.
Genome position (GRCh38, 1-based): chr2:47,806,317, G>C. VCF-style: chr2-47806317-G-C. GRCh37 (hg19) VCF-style: chr2-48033456-G-C.
Other names: c.3370G>C, p.Glu1124Gln (NM_001281492.2); c.2854G>C, p.Glu952Gln (NM_001281493.2, NM_001281494.2); short protein forms E1254Q, E1124Q, E952Q.
Identifiers: ClinVar variation 619876 (VCV000619876.12), dbSNP rs1558392392, ClinGen allele CA346761100.